The following is an entry in ClinVar:

ClinVar aggregate classification (germline): Uncertain significance. Review status: criteria provided, multiple submitters, no conflicts (2 of 4 stars). 2 submissions from 2 submitters: Uncertain significance (2). Last evaluated 2026-04-29.

Conditions:
Cardiovascular phenotype. Identifiers: MedGen CN230736.

Submissions (2):

GeneDx
Classification: Uncertain significance. Last evaluated: 2026-04-29. Review status: criteria provided, single submitter. Criteria: GeneDx Variant Classification Process June 2021. Collection method: clinical testing. Allele origin: germline.
Comment: Not observed at significant frequency in large population cohorts (gnomAD); In silico analysis supports that this missense variant has a deleterious effect on protein structure/function; Has not been previously published as pathogenic or benign to our knowledge; This variant is associated with the following publications: (PMID: 18034775, 20619386)

Ambry Genetics
Classification: Uncertain significance for Cardiovascular phenotype. Last evaluated: 2025-07-13. Review status: criteria provided, single submitter. Criteria: Ambry Variant Classification Scheme 2023. Collection method: clinical testing. Allele origin: germline.
Comment: The p.K134E variant (also known as c.400A>G), located in coding exon 2 of the CBL gene, results from an A to G substitution at nucleotide position 400. The lysine at codon 134 is replaced by glutamic acid, an amino acid with similar properties. This amino acid position is conserved. In addition, this alteration is predicted to be deleterious by in silico analysis. Based on the available evidence, the clinical significance of this variant remains unclear.

NM_005188.4(CBL):c.400A>G (p.Lys134Glu)

Gene: CBL (Cbl proto-oncogene; plus strand). Cytogenetic location: 11q23.3.
Variant type: single nucleotide variant.
Coding change: c.400A>G on transcript NM_005188.4 (MANE Select); coding-DNA position 400, A replaced by G.
Protein change: p.Lys134Glu; replaces lysine 134 with glutamic acid.
Molecular consequence: missense variant.
Genome position (GRCh38, 1-based): chr11:119,232,652, A>G. VCF-style: chr11-119232652-A-G. GRCh37 (hg19) VCF-style: chr11-119103362-A-G.
Other names: short protein forms K134E.
Identifiers: ClinVar variation 3777406 (VCV003777406.3).